The following is an entry in ClinVar:

NC_000020.10:g.(?_6758872)_(6760201_?)dup

Gene: BMP2 (bone morphogenetic protein 2; plus strand). Cytogenetic location: 20p12.3.
Variant type: Duplication.
Identifiers: ClinVar variation 3248325 (VCV003248325.1).

ClinVar aggregate classification (germline): Uncertain significance (1 of 4 stars; one submission).

Submission:

Labcorp Genetics (formerly Invitae), Labcorp
Classification: Uncertain significance. Last evaluated: 2023-10-24. Review status: criteria provided, single submitter. Criteria: Invitae Variant Classification Sherloc (09022015). Collection method: clinical testing. Allele origin: unknown.
Comment: This variant results in a copy number gain of the genomic region encompassing exon(s) 3 of the BMP2 gene. This region includes the termination codon of the gene. This copy number gain extends beyond the assayed region for this gene and therefore may encompass additional genes. As the precise location of this event is unknown, it may be in tandem or it may be located elsewhere in the genome. This variant has not been reported in the literature in individuals affected with BMP2-related conditions. Experimental studies and prediction algorithms are not available or were not evaluated, and the functional significance of this variant is currently unknown. In summary, the available evidence is currently insufficient to determine the role of this variant in disease. Therefore, it has been classified as a Variant of Uncertain Significance.